The following is an entry in ClinVar:

ClinVar aggregate classification (germline): Uncertain significance (1 of 4 stars; one submission).

Allele frequency attached by ClinVar (database versions not stated): gnomAD 0.00001; gnomAD exomes 0.00001.
gnomAD v4.1: 10 of 1,614,096 alleles (0.00062%); highest among the groups gnomAD compares: South Asian, 0.0011%; no homozygotes.

Submission:

Labcorp Genetics (formerly Invitae), Labcorp
Classification: Uncertain significance. Last evaluated: 2022-03-19. Review status: criteria provided, single submitter. Criteria: Invitae Variant Classification Sherloc (09022015). Collection method: clinical testing. Allele origin: germline.
Comment: In summary, the available evidence is currently insufficient to determine the role of this variant in disease. Therefore, it has been classified as a Variant of Uncertain Significance. Algorithms developed to predict the effect of missense changes on protein structure and function (SIFT, PolyPhen-2, Align-GVGD) all suggest that this variant is likely to be tolerated. This variant has not been reported in the literature in individuals affected with CAD-related conditions. This variant is present in population databases (no rsID available, gnomAD 0.003%). This sequence change replaces threonine, which is neutral and polar, with isoleucine, which is neutral and non-polar, at codon 929 of the CAD protein (p.Thr929Ile).

NM_004341.5(CAD):c.2786C>T (p.Thr929Ile)

Genes: CAD (carbamoyl-phosphate synthetase 2, aspartate transcarbamylase, and dihydroorotase; plus strand), LOC126806171 (BRD4-independent group 4 enhancer GRCh37_chr2:27454350-27455549; plus strand). Cytogenetic location: 2p23.3.
Variant type: single nucleotide variant.
Coding change: c.2786C>T on transcript NM_004341.5 (MANE Select); coding-DNA position 2786, C replaced by T.
Protein change: p.Thr929Ile; replaces threonine 929 with isoleucine.
Molecular consequence: missense variant.
Genome position (GRCh38, 1-based): chr2:27,232,588, C>T. VCF-style: chr2-27232588-C-T. GRCh37 (hg19) VCF-style: chr2-27455456-C-T.
Other names: c.2597C>T, p.Thr866Ile (NM_001306079.2); short protein forms T866I, T929I.
Identifiers: ClinVar variation 1486471 (VCV001486471.8), dbSNP rs562210626, ClinGen allele CA346212714.
Genomic context (GRCh38, chr2:27,232,588, plus strand): 5'-AGTGGCCAGCCCAGACAAATTACCTATACCTAACGTATTGGGGCACCACCCATGACCTCA[C>T]CTTTCGAACACCTCATGTCCTAGTCCTTGGCTCTGGCGTCTACCGTATTGGCTCTAGCGT-3'
Protein context (NP_004332.2, residues 919-939): LTYWGTTHDL[Thr929Ile]FRTPHVLVLG